The following is an entry in ClinVar:

ClinVar aggregate classification (germline): Likely benign (1 of 4 stars; one submission).

Conditions:
Retinoblastoma (RB1). Also called: RETINOBLASTOMA, SOMATIC. Identifiers: Orphanet 790, MedGen C0035335, MeSH D012175, MONDO:0008380, OMIM 180200, HP:0009919. Disease mechanism: loss of function. Inheritance: Both sporadic and heritable forms are tested..

Submission:

Genetic Diagnostic Laboratory, University of Pennsylvania School of Medicine
Classification: Likely benign for Retinoblastoma. Last evaluated: 2024-05-20. Review status: criteria provided, single submitter. Criteria: ACMG Guidelines, 2015. Collection method: clinical testing. Allele origin: germline. Affected: yes. Observed: 1 variant allele.
Comment: Case and Pedigree Information: BILATERAL CASES:1, UNILATERAL CASES:0, TOTAL CASES:1, PEDIGREES:1. ACMG Codes Applied:PM2, BP4, BP7

NM_000321.3(RB1):c.1995T>G (p.Leu665=)

Gene: RB1 (RB transcriptional corepressor 1; plus strand). Cytogenetic location: 13q14.2.
Variant type: single nucleotide variant.
Coding change: c.1995T>G on transcript NM_000321.3 (MANE Select); coding-DNA position 1995, T replaced by G.
Protein change: p.Leu665=; no amino-acid change (leucine 665 retained).
Molecular consequence: synonymous variant.
Genome position (GRCh38, 1-based): chr13:48,459,722, T>G. VCF-style: chr13-48459722-T-G. GRCh37 (hg19) VCF-style: chr13-49033858-T-G.
Other names: c.1995T>G, p.Leu665= (NM_001407165.1).
Identifiers: ClinVar variation 3237056 (VCV003237056.1), dbSNP rs2138335982.
Genomic context (GRCh38, chr13:48,459,722, plus strand): 5'-ATGACTAATTTTTCTTATTCCCACAGTGTATCGGCTAGCCTATCTCCGGCTAAATACACT[T>G]TGTGAACGCCTTCTGTCTGAGCACCCAGAATTAGAACATATCATCTGGACCCTTTTCCAG-3'
Protein context (NP_000312.2, residues 655-675): YRLAYLRLNT[Leu665=]CERLLSEHPE